The following is an entry in ClinVar:

ClinVar aggregate classification (germline): Uncertain significance (1 of 4 stars; one submission).

Allele frequency attached by ClinVar (database versions not stated): gnomAD exomes below 0.00001; gnomAD 0.00001.
gnomAD v4.1: 4 of 1,613,996 alleles (0.00025%); highest among the groups gnomAD compares: Non-Finnish European, 0.00034%; no homozygotes.

Submission:

Labcorp Genetics (formerly Invitae), Labcorp
Classification: Uncertain significance. Last evaluated: 2022-12-30. Review status: criteria provided, single submitter. Criteria: Invitae Variant Classification Sherloc (09022015). Collection method: clinical testing. Allele origin: germline.
Comment: This sequence change replaces proline, which is neutral and non-polar, with leucine, which is neutral and non-polar, at codon 216 of the ADAMTS10 protein (p.Pro216Leu). This variant is present in population databases (no rsID available, gnomAD 0.003%). This variant has not been reported in the literature in individuals affected with ADAMTS10-related conditions. Algorithms developed to predict the effect of missense changes on protein structure and function (SIFT, PolyPhen-2, Align-GVGD) all suggest that this variant is likely to be tolerated. In summary, the available evidence is currently insufficient to determine the role of this variant in disease. Therefore, it has been classified as a Variant of Uncertain Significance.

NM_030957.4(ADAMTS10):c.647C>T (p.Pro216Leu)

Gene: ADAMTS10 (ADAM metallopeptidase with thrombospondin type 1 motif 10; minus strand). Cytogenetic location: 19p13.2.
Variant type: single nucleotide variant.
Coding change: c.647C>T on transcript NM_030957.4 (MANE Select); coding-DNA position 647, C replaced by T.
Protein change: p.Pro216Leu; replaces proline 216 with leucine.
Molecular consequence: missense variant.
Genome position (GRCh38, 1-based): chr19:8,601,091, G>A on the plus strand (C>T on the coding strand, the complement: ADAMTS10 is on the minus strand). VCF-style: chr19-8601091-G-A. GRCh37 (hg19) VCF-style: chr19-8665975-G-A.
Other names: short protein forms P216L.
Identifiers: ClinVar variation 2955609 (VCV002955609.3), dbSNP rs1555741481, ClinGen allele CA403756770.